The following is an entry in ClinVar:

NM_001126108.2(SLC12A3):c.409G>A (p.Gly137Ser)

Gene: SLC12A3 (solute carrier family 12 member 3; plus strand). Cytogenetic location: 16q13.
Variant type: single nucleotide variant.
Coding change: c.409G>A on transcript NM_001126108.2 (MANE Select); coding-DNA position 409, G replaced by A.
Protein change: p.Gly137Ser; replaces glycine 137 with serine.
Molecular consequence: missense variant.
Genome position (GRCh38, 1-based): chr16:56,867,196, G>A. VCF-style: chr16-56867196-G-A. GRCh37 (hg19) VCF-style: chr16-56901108-G-A.
Other names: c.409G>A, p.Gly137Ser (NM_000339.3); c.406G>A, p.Gly136Ser (NM_001126107.2); short protein forms G137S, G136S.
Identifiers: ClinVar variation 319891 (VCV000319891.7), dbSNP rs143774019, ClinGen allele CA8069009.
Genomic context (GRCh38, chr16:56,867,196, plus strand): 5'-CTGGTGGAGGGCGAGGCAGGCACCAGCAGCGAGAAGAACCCCGAGGAGCCAGTGCGCTTC[G>A]GCTGGGTCAAGGGGGTGATGGTGAGTGGGGTGTGGGTGGTGCGTGATGTCCAGAAATGGG-3'
Protein context (NP_001119580.2, residues 127-147): EKNPEEPVRF[Gly137Ser]WVKGVMIRCM

ClinVar aggregate classification (germline): Uncertain significance. Review status: criteria provided, multiple submitters, no conflicts (2 of 4 stars). 3 submissions from 3 submitters: Uncertain significance (3). Last evaluated 2025-03-03.

Conditions:
Familial hypokalemia-hypomagnesemia (GTLMNS). Also called: gitelman syndrome; HYPOMAGNESEMIA-HYPOKALEMIA, PRIMARY RENOTUBULAR, WITH HYPOCALCIURIA; POTASSIUM AND MAGNESIUM DEPLETION. Identifiers: Orphanet 358, MedGen C0268450, MONDO:0009904, OMIM 263800.

Allele frequency attached by ClinVar (database versions not stated): gnomAD exomes 0.00001 and 0.00003; ExAC 0.00002; gnomAD 0.00006 and 0.00007; TOPMed 0.00008; ESP Exome Variant Server 0.00015.
gnomAD v4.1: 24 of 1,611,984 alleles (0.0015%); highest among the groups gnomAD compares: African/African-American, 0.019%; no homozygotes.

Submissions (3):

Women's Health and Genetics/Laboratory Corporation of America, LabCorp
Classification: Uncertain significance. Last evaluated: 2025-03-03. Review status: criteria provided, single submitter. Criteria: LabCorp Variant Classification Summary - May 2015. Collection method: clinical testing. Allele origin: germline.
Comment: Variant summary: SLC12A3 c.409G>A (p.Gly137Ser) results in a non-conservative amino acid change in the encoded protein sequence. Two of three in-silico tools predict a damaging effect of the variant on protein function. The variant allele was found at a frequency of 2.9e-05 in 243578 control chromosomes. The available data on variant occurrences in the general population are insufficient to allow any conclusion about variant significance. To our knowledge, no occurrence of c.409G>A in individuals affected with Familial Hypokalemia-Hypomagnesemia and no experimental evidence demonstrating its impact on protein function have been reported. ClinVar contains an entry for this variant (Variation ID: 319891). Based on the evidence outlined above, the variant was classified as uncertain significance.

Labcorp Genetics (formerly Invitae), Labcorp
Classification: Uncertain significance. Last evaluated: 2022-07-15. Review status: criteria provided, single submitter. Criteria: Invitae Variant Classification Sherloc (09022015). Collection method: clinical testing. Allele origin: germline.
Comment: This sequence change replaces glycine, which is neutral and non-polar, with serine, which is neutral and polar, at codon 137 of the SLC12A3 protein (p.Gly137Ser). This variant is present in population databases (rs143774019, gnomAD 0.03%). This variant has not been reported in the literature in individuals affected with SLC12A3-related conditions. ClinVar contains an entry for this variant (Variation ID: 319891). Advanced modeling of protein sequence and biophysical properties (such as structural, functional, and spatial information, amino acid conservation, physicochemical variation, residue mobility, and thermodynamic stability) performed at Invitae indicates that this missense variant is expected to disrupt SLC12A3 protein function. In summary, the available evidence is currently insufficient to determine the role of this variant in disease. Therefore, it has been classified as a Variant of Uncertain Significance.

Illumina Laboratory Services, Illumina
Classification: Uncertain significance for Familial hypokalemia-hypomagnesemia. Last evaluated: 2018-01-12. Review status: criteria provided, single submitter. Criteria: ICSL Variant Classification Criteria 13 December 2019. Collection method: clinical testing. Allele origin: germline.